The following is an entry in ClinVar:

ClinVar aggregate classification (germline): Uncertain significance. Review status: criteria provided, multiple submitters, no conflicts (2 of 4 stars). 2 submissions from 2 submitters: Uncertain significance (2). Last evaluated 2024-12-17.

Conditions:
Early-infantile DEE. Also called: Early infantile epileptic encephalopathy with suppression bursts; Ohtahara syndrome; Early infantile epileptic encephalopathy. Identifiers: Orphanet 1934, MedGen C0393706, MONDO:0800491.
Generalized epilepsy with febrile seizures plus, type 2 (GEFSP2). Also called: GEFS+, TYPE 2. Identifiers: Orphanet 36387, MedGen C1858673, MONDO:0011461, OMIM 604403.

Allele frequency attached by ClinVar (database versions not stated): gnomAD exomes below 0.00001; ExAC 0.00001; TOPMed 0.00001.
gnomAD v4.1: 1 of 1,613,706 alleles (0.000062%); highest among the groups gnomAD compares: Non-Finnish European, 0.000085%; no homozygotes.

Submissions (2):

Labcorp Genetics (formerly Invitae), Labcorp
Classification: Uncertain significance for Early-infantile DEE. Last evaluated: 2024-12-17. Review status: criteria provided, single submitter. Criteria: Invitae Variant Classification Sherloc (09022015). Collection method: clinical testing. Allele origin: germline.
Comment: This sequence change replaces isoleucine, which is neutral and non-polar, with valine, which is neutral and non-polar, at codon 1955 of the SCN1A protein (p.Ile1955Val). This variant is present in population databases (no rsID available, gnomAD 0.0009%). This variant has not been reported in the literature in individuals affected with SCN1A-related conditions. ClinVar contains an entry for this variant (Variation ID: 2153323). Invitae Evidence Modeling of protein sequence and biophysical properties (such as structural, functional, and spatial information, amino acid conservation, physicochemical variation, residue mobility, and thermodynamic stability) indicates that this missense variant is not expected to disrupt SCN1A protein function with a negative predictive value of 95%. In summary, the available evidence is currently insufficient to determine the role of this variant in disease. Therefore, it has been classified as a Variant of Uncertain Significance.

Clinical Genomics Laboratory, Washington University in St. Louis
Classification: Uncertain significance for Generalized epilepsy with febrile seizures plus, type 2. Last evaluated: 2023-08-08. Review status: criteria provided, single submitter. Criteria: ACMG Guidelines, 2015. Collection method: clinical testing. Allele origin: germline.
Comment: The SCN1A c.5863A>G (p.Ile1955Val) variant, to our knowledge, has not been reported in the medical literature but has been reported in the ClinVar database as a germline variant of uncertain significance by one submitter. This variant is only observed on 1/250,712 alleles in the general population (gnomAD v.2.1.1), indicating it is not a common variant. This codon is in the cytoplasmic C terminus without known function and computational predictors suggest that the variant does not impact SCN1A function. Due to limited information, and based on ACMG/AMP guidelines for variant interpretation (Richards S et al., PMID: 25741868), the clinical significance of this variant is uncertain at this time.

NM_001165963.4(SCN1A):c.5863A>G (p.Ile1955Val)

Genes: SCN1A (sodium voltage-gated channel alpha subunit 1; minus strand), LOC102724058 (uncharacterized LOC102724058; plus strand). Cytogenetic location: 2q24.3.
Variant type: single nucleotide variant.
Coding change: c.5863A>G on transcript NM_001165963.4 (MANE Select); coding-DNA position 5863, A replaced by G.
Protein change: p.Ile1955Val; replaces isoleucine 1955 with valine.
Molecular consequence: missense variant. On other transcripts: non-coding transcript variant (1).
Genome position (GRCh38, 1-based): chr2:165,991,412, T>C on the plus strand (A>G on the coding strand, the complement: SCN1A is on the minus strand). VCF-style: chr2-165991412-T-C. GRCh37 (hg19) VCF-style: chr2-166847922-T-C.
Other names: c.5779A>G, p.Ile1927Val (NM_001165964.3, NM_001353957.2, NM_001353958.2); c.5863A>G, p.Ile1955Val (NM_001202435.3, NM_001353948.2); c.5830A>G, p.Ile1944Val (NM_001353949.2, NM_001353950.2, NM_001353951.2 and 2 more transcripts); c.5827A>G, p.Ile1943Val (NM_001353954.2, NM_001353955.2); c.5776A>G, p.Ile1926Val (NM_001353960.2); c.3421A>G, p.Ile1141Val (NM_001353961.2); short protein forms I1926V, I1943V, I1944V, I1955V, I1141V, I1927V.
Identifiers: ClinVar variation 2153323 (VCV002153323.5), dbSNP rs959739110, ClinGen allele CA1942629.
Genomic context (GRCh38, chr2:165,991,412, plus strand): 5'-GATCAGTTTTTTCTGTAATAGAGTTTTCATTTATTCTGTCAATTATCATGTCTTCTTTTA[T>C]AAGAAGATTAGCCCCACCTTTGATTTTGTTTTTATTGTACGTAAAGGAAGCTTGTTTTAC-3'
Protein context (NP_001159435.1, residues 1945-1965): NKIKGGANLL[Ile1955Val]KEDMIIDRIN